The following is an entry in ClinVar:

NM_002878.4(RAD51D):c.667+1_667+3del

Genes: RAD51L3-RFFL (RAD51L3-RFFL readthrough; minus strand), RAD51D (RAD51 paralog D; minus strand). Cytogenetic location: 17q12.
Variant type: Deletion.
Coding change: c.667+1_667+3del on transcript NM_002878.4 (MANE Select); the canonical splice donor site of the intron after coding-DNA position 667 through 3 bases into the intron after coding-DNA position 667, 3 bases deleted (GTG; older notation c.667+1_667+3delGTG).
Molecular consequence: splice donor variant.
Genome position (GRCh38, 1-based): chr17:35,103,451-35,103,453, CAC deleted on the plus strand (GTG on the coding strand, the reverse complement: RAD51D is on the minus strand); deleting any 3 consecutive bases within chr17:35,103,451-35,103,454 gives the same sequence; the c. name uses the placement nearest the transcript's 3' end. VCF-style (leftmost placement, unchanged base first): chr17-35103450-TCAC-T. GRCh37 (hg19) VCF-style: chr17-33430469-TCAC-T.
Other names: c.331+1_331+3del (NM_133629.3); c.727+1_727+3del (NM_001142571.2).
Identifiers: ClinVar variation 2774204 (VCV002774204.2), dbSNP rs2509130047, ClinGen allele CA2697559824.

ClinVar aggregate classification (germline): Likely pathogenic (1 of 4 stars; one submission).

Conditions:
Hereditary cancer-predisposing syndrome. Also called: Hereditary neoplastic syndrome; Hereditary Cancer Syndrome; Neoplastic Syndromes, Hereditary; Tumor predisposition. Identifiers: Orphanet 140162, MedGen C0027672, MeSH D009386, MONDO:0015356.

Submission:

Color Diagnostics, LLC DBA Color Health
Classification: Likely pathogenic for Hereditary cancer-predisposing syndrome. Last evaluated: 2022-10-10. Review status: criteria provided, single submitter. Criteria: ACMG Guidelines, 2015. Collection method: clinical testing. Allele origin: germline.
Comment: This variant causes a deletion of first three nucleotides from c.667+1_667+3 in intron 7 splice donor site of the RAD51D gene. Splice site prediction tools predict that this variant may have a significant impact on RNA splicing. Although functional RNA studies have not been reported, this variant is expected to result in an absent or non-functional protein product. This variant has not been reported in individuals affected with hereditary cancer in the literature. This variant has not been identified in the general population by the Genome Aggregation Database (gnomAD). A different variant, c.667+1G>T, that impacts the same splice donor site is reported to be disease-causing (ClinVar variation ID: 826546). Loss of RAD51D function is a known mechanism of disease. Based on the available evidence, this variant is classified as Likely Pathogenic.